The following is an entry in ClinVar:

NM_174936.4(PCSK9):c.1301G>A (p.Arg434Gln)

Gene: PCSK9 (proprotein convertase subtilisin/kexin type 9; plus strand). Cytogenetic location: 1p32.3.
Variant type: single nucleotide variant.
Coding change: c.1301G>A on transcript NM_174936.4 (MANE Select); coding-DNA position 1301, G replaced by A.
Protein change: p.Arg434Gln; replaces arginine 434 with glutamine.
Molecular consequence: missense variant.
Genome position (GRCh38, 1-based): chr1:55,058,156, G>A. VCF-style: chr1-55058156-G-A. GRCh37 (hg19) VCF-style: chr1-55523829-G-A.
Other names: c.1424G>A, p.Arg475Gln (NM_001407240.1); c.1301G>A, p.Arg434Gln (NM_001407241.1); c.1304G>A, p.Arg435Gln (NM_001407242.1); c.1244G>A, p.Arg415Gln (NM_001407243.1); c.1109G>A, p.Arg370Gln (NM_001407245.1); c.926G>A, p.Arg309Gln (NM_001407246.1); short protein forms R434Q, R309Q, R370Q, R415Q, R435Q, R475Q.
Identifiers: ClinVar variation 920257 (VCV000920257.6), dbSNP rs1416309628, ClinGen allele CA340477460.

ClinVar aggregate classification (germline): Uncertain significance. Review status: criteria provided, multiple submitters, no conflicts (2 of 4 stars). 2 submissions from 2 submitters: Uncertain significance (2). Last evaluated 2024-03-06.

Conditions:
Familial hypercholesterolemia. Also called: Familial hypercholesterolemias; Familial hypercholesterolaemia. Identifiers: MedGen C0020445, MONDO:0005439.
Hypercholesterolemia, autosomal dominant, 3 (FHCL3). Also called: Familial hypercholesterolemia 3; Familial Hypercholesterolemia, Autosomal Dominant, 3; PCSK9-Related Familial Hypercholesterolemia, Autosomal Dominant. Identifiers: MedGen C1863551, MONDO:0011369, OMIM 603776.

Allele frequency attached by ClinVar (database versions not stated): TOPMed below 0.00001; gnomAD 0.00001; gnomAD exomes 0.00001.
gnomAD v4.1: 13 of 1,613,416 alleles (0.00081%); highest among the groups gnomAD compares: African/African-American, 0.0027%; no homozygotes.

Submissions (2):

Color Diagnostics, LLC DBA Color Health
Classification: Uncertain significance for Familial hypercholesterolemia. Last evaluated: 2024-03-06. Review status: criteria provided, single submitter. Criteria: ACMG Guidelines, 2015. Collection method: clinical testing. Allele origin: germline.
Comment: This missense variant replaces arginine with glutamine at codon 434 of the PCSK9 protein. Computational prediction suggests that this variant may not impact protein structure and function (internally defined REVEL score threshold <= 0.5, PMID: 27666373). To our knowledge, functional studies have not been reported for this variant. This variant has not been reported in individuals affected with familial hypercholesterolemia in the literature. This variant has been identified in 3/282312 chromosomes in the general population by the Genome Aggregation Database (gnomAD). The available evidence is insufficient to determine the role of this variant in disease conclusively. Therefore, this variant is classified as a Variant of Uncertain Significance.

Fulgent Genetics
Classification: Uncertain significance for Hypercholesterolemia, autosomal dominant, 3. Last evaluated: 2021-09-20. Review status: criteria provided, single submitter. Criteria: ACMG Guidelines, 2015. Collection method: clinical testing. Allele origin: unknown.